The following is an entry in ClinVar:

ClinVar aggregate classification (germline): Uncertain significance (1 of 4 stars; one submission).

Conditions:
Inborn genetic diseases. Identifiers: MedGen C0950123, MeSH D030342.

gnomAD v4.1: 1 of 1,613,588 alleles (0.000062%); highest among the groups gnomAD compares: Non-Finnish European, 0.000085%; no homozygotes.

Submission:

Ambry Genetics
Classification: Uncertain significance for Inborn genetic diseases. Last evaluated: 2025-03-24. Review status: criteria provided, single submitter. Criteria: Ambry Variant Classification Scheme 2023. Collection method: clinical testing. Allele origin: germline.
Comment: The p.S1501N variant (also known as c.4502G>A), located in coding exon 13 of the ASXL1 gene, results from a G to A substitution at nucleotide position 4502. The serine at codon 1501 is replaced by asparagine, an amino acid with highly similar properties. This amino acid position is conserved. In addition, this alteration is predicted to be tolerated by in silico analysis. Based on the available evidence, the clinical significance of this variant remains unclear.

NM_015338.6(ASXL1):c.4502G>A (p.Ser1501Asn)

Gene: ASXL1 (ASXL transcriptional regulator 1; plus strand). Cytogenetic location: 20q11.21.
Variant type: single nucleotide variant.
Coding change: c.4502G>A on transcript NM_015338.6 (MANE Select); coding-DNA position 4502, G replaced by A.
Protein change: p.Ser1501Asn; replaces serine 1501 with asparagine.
Molecular consequence: missense variant.
Genome position (GRCh38, 1-based): chr20:32,437,214, G>A. VCF-style: chr20-32437214-G-A. GRCh37 (hg19) VCF-style: chr20-31025017-G-A.
Other names: c.4319G>A, p.Ser1440Asn (NM_001363734.1); short protein forms S1440N, S1501N.
Identifiers: ClinVar variation 3955120 (VCV003955120.1).
Genomic context (GRCh38, chr20:32,437,214, plus strand): 5'-GTGCGAGCCACAGTGCATCACTTTCCTTGCAAATGTTCACTGACAGCAGCACGGTGGAAA[G>A]CATCTCGCTCCAGTGTGCGTGCAGCCTGAAAGCCATGATCATGTGCCAAGGCTGCGGTGC-3'
Protein context (NP_056153.2, residues 1491-1511): QMFTDSSTVE[Ser1501Asn]ISLQCACSLK